The following is an entry in ClinVar:

NM_001256071.3(RNF213):c.11193C>T (p.Asp3731=)

Genes: RNF213 (ring finger protein 213; plus strand), RNF213-AS1 (RNF213 antisense RNA 1; minus strand). Cytogenetic location: 17q25.3.
Variant type: single nucleotide variant.
Coding change: c.11193C>T on transcript NM_001256071.3 (MANE Select); coding-DNA position 11193, C replaced by T.
Protein change: p.Asp3731=; no amino-acid change (aspartic acid 3731 retained).
Molecular consequence: synonymous variant.
Genome position (GRCh38, 1-based): chr17:80,360,199, C>T. VCF-style: chr17-80360199-C-T. GRCh37 (hg19) VCF-style: chr17-78333999-C-T.
Other names: c.11193C>T (NM_001256071.2); c.11340C>T, p.Asp3780= (NM_001410195.1, NM_020914.5).
Identifiers: ClinVar variation 2648424 (VCV002648424.27), dbSNP rs141625043, ClinGen allele CA8821718.

ClinVar aggregate classification (germline): Benign/Likely benign. Review status: criteria provided, multiple submitters, no conflicts (2 of 4 stars). 4 submissions from 4 submitters: Benign (1); Likely benign (2). 1 of the submissions does not count toward it. Last evaluated 2025-11-16.

Conditions:
RNF213-related disorder. Also called: RNF213-related condition.

Allele frequency attached by ClinVar (database versions not stated): TOPMed 0.00011; gnomAD 0.00031; 1000 Genomes Project 30x 0.00156; 1000 Genomes Project 0.00180.
gnomAD v4.1: 960 of 1,612,770 alleles (0.06%); highest among the groups gnomAD compares: South Asian, 0.79%; 14 homozygotes.

Submissions (4):

Labcorp Genetics (formerly Invitae), Labcorp
Classification: Benign. Last evaluated: 2025-11-16. Review status: criteria provided, single submitter. Criteria: Invitae Variant Classification Sherloc (09022015). Collection method: clinical testing. Allele origin: germline.

Blueprint Genetics
Classification: Likely benign. Last evaluated: 2024-11-11. Review status: criteria provided, single submitter. Criteria: ACMG Guidelines, 2015. Collection method: clinical testing. Allele origin: germline.

CeGaT Center for Human Genetics Tuebingen
Classification: Likely benign. Last evaluated: 2024-09-01. Review status: criteria provided, single submitter. Criteria: CeGaT Center For Human Genetics Tuebingen Variant Classification Criteria Version 2. Collection method: clinical testing. Allele origin: germline. Affected: yes. Observed: 3 variant alleles.
Comment: RNF213: BP4, BP7, BS2

PreventionGenetics, part of Exact Sciences
Classification: Benign for RNF213-related condition. Last evaluated: 2019-05-27. Review status: no assertion criteria provided. Collection method: clinical testing. Allele origin: germline. Not counted in ClinVar's aggregate classification.
Comment: This variant is classified as benign based on ACMG/AMP sequence variant interpretation guidelines (Richards et al. 2015 PMID: 25741868, with internal and published modifications).